The following is an entry in ClinVar:

NM_018718.3(CEP41):c.383A>G (p.Asn128Ser)

Gene: CEP41 (centrosomal protein 41; minus strand). Cytogenetic location: 7q32.2.
Variant type: single nucleotide variant.
Coding change: c.383A>G on transcript NM_018718.3 (MANE Select); coding-DNA position 383, A replaced by G.
Protein change: p.Asn128Ser; replaces asparagine 128 with serine.
Molecular consequence: missense variant.
Genome position (GRCh38, 1-based): chr7:130,404,603, T>C on the plus strand (A>G on the coding strand, the complement: CEP41 is on the minus strand). VCF-style: chr7-130404603-T-C. GRCh37 (hg19) VCF-style: chr7-130044444-T-C.
Other names: c.383A>G, p.Asn128Ser (NM_001257158.2); c.335A>G, p.Asn112Ser (NM_001257159.2); short protein forms N112S, N128S.
Identifiers: ClinVar variation 653434 (VCV000653434.1), dbSNP rs782436531, ClinGen allele CA4485591.

ClinVar aggregate classification (germline): Uncertain significance (1 of 4 stars; one submission).

Conditions:
Joubert syndrome 15 (JBTS15). Identifiers: Orphanet 475, MedGen C3280897, MONDO:0013763, OMIM 614464.

Allele frequency attached by ClinVar (database versions not stated): gnomAD exomes below 0.00001; ExAC 0.00001.
gnomAD v4.1: 1 of 1,613,872 alleles (0.000062%); highest among the groups gnomAD compares: South Asian, 0.0011%; no homozygotes.

Submission:

Labcorp Genetics (formerly Invitae), Labcorp
Classification: Uncertain significance for Joubert syndrome 15. Last evaluated: 2018-08-09. Review status: criteria provided, single submitter. Criteria: Invitae Variant Classification Sherloc (09022015). Collection method: clinical testing. Allele origin: germline.
Comment: This sequence change replaces asparagine with serine at codon 128 of the CEP41 protein (p.Asn128Ser). The asparagine residue is moderately conserved and there is a small physicochemical difference between asparagine and serine. This variant is present in population databases (rs782436531, ExAC 0.006%). This variant has not been reported in the literature in individuals with CEP41-related disease. Algorithms developed to predict the effect of missense changes on protein structure and function output the following: SIFT: "Tolerated"; PolyPhen-2: "Benign"; Align-GVGD: "Class C0". The serine amino acid residue is found in multiple mammalian species, suggesting that this missense change does not adversely affect protein function. These predictions have not been confirmed by published functional studies and their clinical significance is uncertain. In summary, the available evidence is currently insufficient to determine the role of this variant in disease. Therefore, it has been classified as a Variant of Uncertain Significance.